The following is an entry in ClinVar:

ClinVar aggregate classification (germline): Pathogenic (1 of 4 stars; one submission).

Submission:

Labcorp Genetics (formerly Invitae), Labcorp
Classification: Pathogenic. Last evaluated: 2021-10-27. Review status: criteria provided, single submitter. Criteria: Invitae Variant Classification Sherloc (09022015). Collection method: clinical testing. Allele origin: germline.
Comment: For these reasons, this variant has been classified as Pathogenic. Algorithms developed to predict the effect of sequence changes on RNA splicing suggest that this variant may create or strengthen a splice site. This variant has not been reported in the literature in individuals affected with PHEX-related conditions. This variant is not present in population databases (gnomAD no frequency). This sequence change creates a premature translational stop signal (p.Ser68Lysfs*2) in the PHEX gene. It is expected to result in an absent or disrupted protein product. Loss-of-function variants in PHEX are known to be pathogenic (PMID: 9097956, 9106524, 19219621).

Literature cited by the submitters: PubMed 9097956; PubMed 9106524; PubMed 19219621.

NM_000444.6(PHEX):c.202dup (p.Ser68fs)

Gene: PHEX (phosphate regulating endopeptidase X-linked; plus strand). Cytogenetic location: Xp22.11.
Variant type: Duplication.
Coding change: c.202dup on transcript NM_000444.6 (MANE Select); coding-DNA position 202, one base duplicated (A; older notation c.202dupA).
Protein change: p.Ser68fs; shifts the reading frame from serine 68.
Molecular consequence: frameshift variant.
Genome position (GRCh38, 1-based): chrX:22,047,064, A duplicated; the last of 2 consecutive A bases (chrX:22,047,063-22,047,064); duplicating either gives the same sequence. VCF-style (leftmost placement, unchanged base first): chrX-22047062-T-TA. GRCh37 (hg19) VCF-style: chrX-22065180-T-TA.
Other names: c.202dup, p.Ser68fs (NM_001282754.2); short protein forms S68fs.
Identifiers: ClinVar variation 1456630 (VCV001456630.6), dbSNP rs1927568383, ClinGen allele CA2573158512.